The following is an entry in ClinVar:

ClinVar aggregate classification (germline): Likely benign (1 of 4 stars; one submission).

Allele frequency attached by ClinVar (database versions not stated): TOPMed 0.00014; ESP Exome Variant Server 0.00017; ExAC 0.00021.
gnomAD v4.1: 189 of 1,560,270 alleles (0.012%); highest among the groups gnomAD compares: Middle Eastern, 0.17%; 1 homozygote.

Submission:

CeGaT Center for Human Genetics Tuebingen
Classification: Likely benign. Last evaluated: 2025-06-01. Review status: criteria provided, single submitter. Criteria: CeGaT Center For Human Genetics Tuebingen Variant Classification Criteria Version 2. Collection method: clinical testing. Allele origin: germline. Affected: yes. Observed: 3 variant alleles.
Comment: PDE4D: BP4, BP7

NM_001104631.2(PDE4D):c.456-140846G>A

Gene: PDE4D (phosphodiesterase 4D; minus strand). Cytogenetic location: 5q11.2.
Variant type: single nucleotide variant.
Coding change: c.456-140846G>A on transcript NM_001104631.2 (MANE Select); 140846 bases into the intron before coding-DNA position 456, G replaced by A.
Molecular consequence: intron variant. On other transcripts: synonymous variant (1).
Genome position (GRCh38, 1-based): chr5:59,356,814, C>T on the plus strand (G>A on the coding strand, the complement: PDE4D is on the minus strand). VCF-style: chr5-59356814-C-T. GRCh37 (hg19) VCF-style: chr5-58652640-C-T.
Other names: c.33G>A, p.Thr11= (NM_001197219.2); c.273-140846G>A (NM_001364599.1, NM_001165899.2, NM_001364600.2); c.-239-140846G>A (NM_001349243.2, NM_001364604.1); c.243-140846G>A (NM_001349241.2); c.264-140846G>A (NM_001197218.2, NM_001364602.2, NM_001364601.1); c.-495-140846G>A (NM_001364603.1); c.48-140846G>A (NM_006203.5); c.125+73480G>A (NM_001349242.2).
Identifiers: ClinVar variation 2655473 (VCV002655473.24), dbSNP rs199886636, ClinGen allele CA3276503.
Genomic context (GRCh38, chr5:59,356,814, plus strand): 5'-ATACCTGTAGGACTTTGAGAAACGCAATCTTGATTTGGCTCTTGTAGATGGTCCTGGCAC[C>T]GTGGCTCCCAGAGGATCCCAAACAAAAGCCATTTTTAAGGACGATGCCAAGATCCCCAGG-3'